The following is an entry in ClinVar:

ClinVar aggregate classification (germline): Pathogenic (1 of 4 stars; one submission).

Conditions:
Osteogenesis imperfecta type I (OI1). Also called: Lobstein disease; OI, TYPE I; OSTEOGENESIS IMPERFECTA TARDA; OSTEOGENESIS IMPERFECTA WITH BLUE SCLERAE; Osteogenesis imperfecta type 1; Lobstein's Disease. Identifiers: Orphanet 216796, Orphanet 666, MedGen C0023931, MONDO:0008146, OMIM 166200. Disease mechanism: loss of function.
Ehlers-Danlos syndrome, classic type, 1 (EDSCL1). Also called: EDS I; EHLERS-DANLOS SYNDROME, GRAVIS TYPE; EHLERS-DANLOS SYNDROME, SEVERE CLASSIC TYPE; Ehlers-Danlos syndrome, type 1; Ehlers-Danlos Syndrome, Classic Type, COL5A1-Related. Identifiers: MedGen C0268335, MONDO:0019567, OMIM 130000.

Submission:

Labcorp Genetics (formerly Invitae), Labcorp
Classification: Pathogenic for Osteogenesis imperfecta type I; Ehlers-Danlos syndrome, classic type, 1. Last evaluated: 2022-11-10. Review status: criteria provided, single submitter. Criteria: Invitae Variant Classification Sherloc (09022015). Collection method: clinical testing. Allele origin: germline.
Comment: This sequence change replaces glycine, which is neutral and non-polar, with arginine, which is basic and polar, at codon 616 of the COL1A2 protein (p.Gly616Arg). This variant is not present in population databases (gnomAD no frequency). This missense change has been observed in individual(s) with osteogenesis imperfecta (PMID: 27509835). Advanced modeling of protein sequence and biophysical properties (such as structural, functional, and spatial information, amino acid conservation, physicochemical variation, residue mobility, and thermodynamic stability) performed at Invitae indicates that this missense variant is expected to disrupt COL1A2 protein function. This variant disrupts the triple helix domain of COL1A2. Glycine residues within the Gly-Xaa-Yaa repeats of the triple helix domain are required for the structure and stability of fibrillar collagens (PMID: 7695699, 8218237, 19344236). In COL1A2, variants affecting these glycine residues are significantly enriched in individuals with disease (PMID: 9016532, 17078022) compared to the general population (ExAC). For these reasons, this variant has been classified as Pathogenic.

Literature cited by the submitters: PubMed 27509835; PubMed 7695699; PubMed 8218237; PubMed 19344236; PubMed 9016532; PubMed 17078022.

NM_000089.4(COL1A2):c.1846G>C (p.Gly616Arg)

Gene: COL1A2 (collagen type I alpha 2 chain; plus strand). Cytogenetic location: 7q21.3.
Variant type: single nucleotide variant.
Coding change: c.1846G>C on transcript NM_000089.4 (MANE Select); coding-DNA position 1846, G replaced by C.
Protein change: p.Gly616Arg; replaces glycine 616 with arginine.
Molecular consequence: missense variant.
Genome position (GRCh38, 1-based): chr7:94,416,486, G>C. VCF-style: chr7-94416486-G-C. GRCh37 (hg19) VCF-style: chr7-94045798-G-C.
Other names: short protein forms G616R.
Identifiers: ClinVar variation 2925411 (VCV002925411.3), dbSNP rs2484719924, ClinGen allele CA368222715.
Genomic context (GRCh38, chr7:94,416,486, plus strand): 5'-GAGAGTGGTGCTGCCGGTCCTACTGGTCCTATTGGAAGCCGAGGTCCTTCTGGACCCCCA[G>C]GGCCTGATGGAAACAAGGTAAAATCTTATGTTTTCTATATTGCTGGTTTGGCCCAGTCTG-3'
Protein context (NP_000080.2, residues 606-626): IGSRGPSGPP[Gly616Arg]PDGNKGEPGV